The following is an entry in ClinVar:

NM_012213.3(MLYCD):c.642-2A>C

Gene: MLYCD (malonyl-CoA decarboxylase; plus strand). Cytogenetic location: 16q23.3.
Variant type: single nucleotide variant.
Coding change: c.642-2A>C on transcript NM_012213.3 (MANE Select); the canonical splice acceptor site of the intron before coding-DNA position 642, A replaced by C.
Molecular consequence: splice acceptor variant.
Genome position (GRCh38, 1-based): chr16:83,908,124, A>C. VCF-style: chr16-83908124-A-C. GRCh37 (hg19) VCF-style: chr16-83941729-A-C.
Identifiers: ClinVar variation 1070667 (VCV001070667.10), dbSNP rs2151057083, ClinGen allele CA396918765.
Genomic context (GRCh38, chr16:83,908,124, plus strand): 5'-AGTCAGCAGCCGTTGCTTGTGAATTATGCATTTGTCTTGTCTCTTTATAAATTCCGCCCC[A>C]GGGCTGAGGCTGTGCATCCTGTAAAAAACTGGATGGACATGAAGCGCCGCGTTGGGCCCT-3'

ClinVar aggregate classification (germline): Pathogenic (1 of 4 stars; one submission).

Conditions:
Deficiency of malonyl-CoA decarboxylase. Also called: Malonic aciduria; MCD deficiency. Identifiers: Orphanet 943, MedGen C0342793, MONDO:0009556, OMIM 248360.

Submission:

Labcorp Genetics (formerly Invitae), Labcorp
Classification: Pathogenic for Deficiency of malonyl-CoA decarboxylase. Last evaluated: 2020-05-12. Review status: criteria provided, single submitter. Criteria: Invitae Variant Classification Sherloc (09022015). Collection method: clinical testing. Allele origin: germline.
Comment: This variant has been observed in individual(s) with MLYCD-related conditions (Invitae). In at least one individual the variant was observed to be de novo. This sequence change affects an acceptor splice site in intron 2 of the MLYCD gene. It is expected to disrupt RNA splicing and likely results in an absent or disrupted protein product. This variant is not present in population databases (ExAC no frequency). Algorithms developed to predict the effect of sequence changes on RNA splicing suggest that this variant may disrupt the consensus splice site, but this prediction has not been confirmed by published transcriptional studies. Donor and acceptor splice site variants typically lead to a loss of protein function (PMID: 16199547), and loss-of-function variants in MLYCD are known to be pathogenic (PMID: 12955715, 17186413). For these reasons, this variant has been classified as Pathogenic.

Literature cited by the submitters: PubMed 16199547; PubMed 12955715; PubMed 17186413.